The following is an entry in ClinVar:

NM_006231.4(POLE):c.125A>T (p.Asp42Val)

Gene: POLE (DNA polymerase epsilon, catalytic subunit; minus strand). Cytogenetic location: 12q24.33.
Variant type: single nucleotide variant.
Coding change: c.125A>T on transcript NM_006231.4 (MANE Select); coding-DNA position 125, A replaced by T.
Protein change: p.Asp42Val; replaces aspartic acid 42 with valine.
Molecular consequence: missense variant.
Genome position (GRCh38, 1-based): chr12:132,681,217, T>A on the plus strand (A>T on the coding strand, the complement: POLE is on the minus strand). VCF-style: chr12-132681217-T-A. GRCh37 (hg19) VCF-style: chr12-133257803-T-A.
Other names: short protein forms D42V.
Identifiers: ClinVar variation 405815 (VCV000405815.13), dbSNP rs749886101, ClinGen allele CA6894438.
Genomic context (GRCh38, chr12:132,681,217, plus strand): 5'-CAGCCTGTCTTCTCACCAGGCTCCTTCAGCCGCTCAAAACCAAACCGCAAATCCATCTTA[T>A]CCGTCCACTGACTCCGTTCCAGGCGCTTGAGTGCCGAAACTGAGGAAGTGGCGCCATCAT-3'
Protein context (NP_006222.2, residues 32-52): LKRLERSQWT[Asp42Val]KMDLRFGFER

ClinVar aggregate classification (germline): Uncertain significance. Review status: criteria provided, multiple submitters, no conflicts (2 of 4 stars). 3 submissions from 3 submitters: Uncertain significance (3). Last evaluated 2025-12-15.

Conditions:
Hereditary cancer-predisposing syndrome. Also called: Hereditary Cancer Syndrome; Hereditary neoplastic syndrome; Neoplastic Syndromes, Hereditary; Tumor predisposition. Identifiers: Orphanet 140162, MedGen C0027672, MeSH D009386, MONDO:0015356.

Submissions (3):

Labcorp Genetics (formerly Invitae), Labcorp
Classification: Uncertain significance. Last evaluated: 2025-12-15. Review status: criteria provided, single submitter. Criteria: Invitae Variant Classification Sherloc (09022015). Collection method: clinical testing. Allele origin: germline.
Comment: This sequence change replaces aspartic acid, which is acidic and polar, with valine, which is neutral and non-polar, at codon 42 of the POLE protein (p.Asp42Val). This variant is present in population databases (rs749886101, gnomAD 0.0009%). This variant has not been reported in the literature in individuals affected with POLE-related conditions. ClinVar contains an entry for this variant (Variation ID: 405815). Invitae Evidence Modeling of protein sequence and biophysical properties (such as structural, functional, and spatial information, amino acid conservation, physicochemical variation, residue mobility, and thermodynamic stability) indicates that this missense variant is not expected to disrupt POLE protein function with a negative predictive value of 80%. In summary, the available evidence is currently insufficient to determine the role of this variant in disease. Therefore, it has been classified as a Variant of Uncertain Significance.

Ambry Genetics
Classification: Uncertain significance for Hereditary cancer-predisposing syndrome. Last evaluated: 2024-12-12. Review status: criteria provided, single submitter. Criteria: Ambry Variant Classification Scheme 2023. Collection method: clinical testing. Allele origin: germline.
Comment: The p.D42V variant (also known as c.125A>T), located in coding exon 2 of the POLE gene, results from an A to T substitution at nucleotide position 125. The aspartic acid at codon 42 is replaced by valine, an amino acid with highly dissimilar properties. This amino acid position is conserved. In addition, the in silico prediction for this alteration is inconclusive. Based on the available evidence, the clinical significance of this variant remains unclear.

GeneDx
Classification: Uncertain significance. Last evaluated: 2019-11-12. Review status: criteria provided, single submitter. Criteria: GeneDx Variant Classification Process June 2021. Collection method: clinical testing. Allele origin: germline. Affected: yes.
Comment: Has not been previously published as pathogenic or benign to our knowledge; In silico analysis, which includes protein predictors and evolutionary conservation, supports a deleterious effect; Not observed at a significant frequency in large population cohorts (Lek 2016); This variant is associated with the following publications: (PMID: 31034466)